The following is an entry in ClinVar:

ClinVar aggregate classification (germline): Uncertain significance (1 of 4 stars; one submission).

Conditions:
Cardiovascular phenotype. Identifiers: MedGen CN230736.

Allele frequency attached by ClinVar (database versions not stated): gnomAD exomes 0.00001.
gnomAD v4.1: 5 of 1,558,624 alleles (0.00032%); highest among the groups gnomAD compares: Non-Finnish European, 0.00044%; no homozygotes.

Submission:

Ambry Genetics
Classification: Uncertain significance for Cardiovascular phenotype. Last evaluated: 2023-09-30. Review status: criteria provided, single submitter. Criteria: Ambry Variant Classification Scheme 2023. Collection method: clinical testing. Allele origin: germline.
Comment: The p.Q715L variant (also known as c.2144A>T), located in coding exon 13 of the CBL gene, results from an A to T substitution at nucleotide position 2144. The glutamine at codon 715 is replaced by leucine, an amino acid with dissimilar properties. This amino acid position is conserved. In addition, this alteration is predicted to be tolerated by in silico analysis. Since supporting evidence is limited at this time, the clinical significance of this alteration remains unclear.

NM_005188.4(CBL):c.2144A>T (p.Gln715Leu)

Gene: CBL (Cbl proto-oncogene; plus strand). Cytogenetic location: 11q23.3.
Variant type: single nucleotide variant.
Coding change: c.2144A>T on transcript NM_005188.4 (MANE Select); coding-DNA position 2144, A replaced by T.
Protein change: p.Gln715Leu; replaces glutamine 715 with leucine.
Molecular consequence: missense variant.
Genome position (GRCh38, 1-based): chr11:119,297,025, A>T. VCF-style: chr11-119297025-A-T. GRCh37 (hg19) VCF-style: chr11-119167735-A-T.
Other names: short protein forms Q715L.
Identifiers: ClinVar variation 3224648 (VCV003224648.1), dbSNP rs2496971181, ClinGen allele CA382927412.